The following is an entry in ClinVar:

ClinVar aggregate classification (germline): Likely benign. Review status: criteria provided, multiple submitters, no conflicts (2 of 4 stars). 5 submissions from 5 submitters: Likely benign (4). 1 of the submissions does not count toward it. Last evaluated 2025-03-22.

Conditions:
ATXN3-related disorder. Also called: ATXN3-related condition.
Inborn genetic diseases. Identifiers: MedGen C0950123, MeSH D030342.

Allele frequency attached by ClinVar (database versions not stated): gnomAD 0.03723; ExAC 0.33422.

Submissions (5):

Ambry Genetics
Classification: Likely benign for Inborn genetic diseases. Last evaluated: 2025-03-22. Review status: criteria provided, single submitter. Criteria: Ambry Variant Classification Scheme 2023. Collection method: clinical testing. Allele origin: germline.

GeneDx
Classification: Likely benign. Last evaluated: 2019-11-21. Review status: criteria provided, single submitter. Criteria: GeneDx Variant Classification Process June 2021. Collection method: clinical testing. Allele origin: germline. Affected: yes.

Genetic Services Laboratory, University of Chicago
Classification: Likely benign. Last evaluated: 2014-11-12. Review status: criteria provided, single submitter. Criteria: ACMG Guidelines, 2015. Collection method: clinical testing. Allele origin: germline.

Breakthrough Genomics
Classification: Likely benign. Review status: criteria provided, single submitter. Criteria: ACMG Guidelines, 2015. Collection method: not provided. Allele origin: germline. Inheritance: Autosomal dominant inheritance. Affected: yes.

PreventionGenetics, part of Exact Sciences
Classification: Benign for ATXN3-related condition. Last evaluated: 2019-10-31. Review status: no assertion criteria provided. Collection method: clinical testing. Allele origin: germline. Not counted in ClinVar's aggregate classification.
Comment: This variant is classified as benign based on ACMG/AMP sequence variant interpretation guidelines (Richards et al. 2015 PMID: 25741868, with internal and published modifications).

NM_004993.6(ATXN3):c.891A>G (p.Gln297=)

Genes: ATXN3 (ataxin 3; minus strand), LOC108663987 (ataxin 3 repeat instability region; plus strand). Cytogenetic location: 14q32.12.
Variant type: single nucleotide variant.
Coding change: c.891A>G on transcript NM_004993.6 (MANE Select); coding-DNA position 891, A replaced by G.
Protein change: p.Gln297=; no amino-acid change (glutamine 297 retained).
Molecular consequence: synonymous variant. On other transcripts: non-coding transcript variant (19), missense variant (5).
Genome position (GRCh38, 1-based): chr14:92,071,035, T>C on the plus strand (A>G on the coding strand, the complement: ATXN3 is on the minus strand). VCF-style: chr14-92071035-T-C. GRCh37 (hg19) VCF-style: chr14-92537379-T-C.
Other names: c.406A>G (NM_001164778.1); c.846A>G, p.Gln282= (NM_001127696.2); c.738A>G, p.Gln246= (NM_001127697.3); c.208A>G, p.Thr70Ala (NM_001164774.2); c.253A>G, p.Thr85Ala (NM_001164776.2); c.88A>G, p.Thr30Ala (NM_001164777.2); c.406A>G, p.Thr136Ala (NM_001164778.2); c.528A>G, p.Gln176= (NM_001164779.2); and 4 more; short protein forms T70A, T85A, T15A, T30A, T136A.
Identifiers: ClinVar variation 128514 (VCV000128514.13), dbSNP rs12896583, ClinGen allele CA152012.